The following is an entry in ClinVar:

ClinVar aggregate classification (germline): Uncertain significance. Review status: criteria provided, multiple submitters, no conflicts (2 of 4 stars). 2 submissions from 2 submitters: Uncertain significance (2). Last evaluated 2025-04-15.

Conditions:
Inborn genetic diseases. Identifiers: MedGen C0950123, MeSH D030342.

Allele frequency attached by ClinVar (database versions not stated): TOPMed below 0.00001; gnomAD exomes 0.00001; ExAC 0.00004.
gnomAD v4.1: 9 of 1,613,906 alleles (0.00056%); highest among the groups gnomAD compares: South Asian, 0.0088%; no homozygotes.

Submissions (2):

Ambry Genetics
Classification: Uncertain significance for Inborn genetic diseases. Last evaluated: 2025-04-15. Review status: criteria provided, single submitter. Criteria: Ambry Variant Classification Scheme 2023. Collection method: clinical testing. Allele origin: germline.

Labcorp Genetics (formerly Invitae), Labcorp
Classification: Uncertain significance. Last evaluated: 2022-05-17. Review status: criteria provided, single submitter. Criteria: Invitae Variant Classification Sherloc (09022015). Collection method: clinical testing. Allele origin: germline.
Comment: This sequence change replaces aspartic acid, which is acidic and polar, with asparagine, which is neutral and polar, at codon 260 of the DNM1L protein (p.Asp260Asn). This variant is present in population databases (rs758862589, gnomAD 0.03%). This variant has not been reported in the literature in individuals affected with DNM1L-related conditions. Algorithms developed to predict the effect of missense changes on protein structure and function are either unavailable or do not agree on the potential impact of this missense change (SIFT: "Deleterious"; PolyPhen-2: "Benign"; Align-GVGD: "Class C0"). In summary, the available evidence is currently insufficient to determine the role of this variant in disease. Therefore, it has been classified as a Variant of Uncertain Significance.

NM_012062.5(DNM1L):c.778G>A (p.Asp260Asn)

Gene: DNM1L (dynamin 1 like; plus strand). Cytogenetic location: 12p11.21.
Variant type: single nucleotide variant.
Coding change: c.778G>A on transcript NM_012062.5 (MANE Select); coding-DNA position 778, G replaced by A.
Protein change: p.Asp260Asn; replaces aspartic acid 260 with asparagine.
Molecular consequence: missense variant.
Genome position (GRCh38, 1-based): chr12:32,720,701, G>A. VCF-style: chr12-32720701-G-A. GRCh37 (hg19) VCF-style: chr12-32873635-G-A.
Other names: c.778G>A, p.Asp260Asn (NM_001278463.2, NM_005690.5, NM_012063.4); c.817G>A, p.Asp273Asn (NM_001278464.2, NM_001278465.2, NM_001330380.2); c.169G>A, p.Asp57Asn (NM_001278466.2); c.778G>A (NM_012062.3); short protein forms D57N, D273N, D260N.
Identifiers: ClinVar variation 1995701 (VCV001995701.5), dbSNP rs758862589, ClinGen allele CA6507413.